The following is an entry in ClinVar:

ClinVar aggregate classification (germline): Uncertain significance (1 of 4 stars; one submission).

Conditions:
Hereditary cancer-predisposing syndrome. Also called: Tumor predisposition; Hereditary Cancer Syndrome; Neoplastic Syndromes, Hereditary; Hereditary neoplastic syndrome. Identifiers: Orphanet 140162, MedGen C0027672, MeSH D009386, MONDO:0015356.

Submission:

Ambry Genetics
Classification: Uncertain significance for Hereditary cancer-predisposing syndrome. Last evaluated: 2021-08-20. Review status: criteria provided, single submitter. Criteria: Ambry Variant Classification Scheme 2023. Collection method: clinical testing. Allele origin: germline.
Comment: The p.T91A variant (also known as c.271A>G), located in coding exon 3 of the SDHA gene, results from an A to G substitution at nucleotide position 271. The threonine at codon 91 is replaced by alanine, an amino acid with similar properties. This amino acid position is well conserved in available vertebrate species. In addition, the in silico prediction for this alteration is inconclusive. Since supporting evidence is limited at this time, the clinical significance of this alteration remains unclear.

NM_004168.4(SDHA):c.271A>G (p.Thr91Ala)

Gene: SDHA (succinate dehydrogenase complex flavoprotein subunit A; plus strand). Cytogenetic location: 5p15.33.
Variant type: single nucleotide variant.
Coding change: c.271A>G on transcript NM_004168.4 (MANE Select); coding-DNA position 271, A replaced by G.
Protein change: p.Thr91Ala; replaces threonine 91 with alanine.
Molecular consequence: missense variant.
Genome position (GRCh38, 1-based): chr5:224,480, A>G. VCF-style: chr5-224480-A-G. GRCh37 (hg19) VCF-style: chr5-224595-A-G.
Other names: c.271A>G, p.Thr91Ala (NM_001294332.2, NM_001330758.2); short protein forms T91A.
Identifiers: ClinVar variation 1795152 (VCV001795152.2), dbSNP rs1734892684, ClinGen allele CA359008614.